The following is an entry in ClinVar:

ClinVar aggregate classification (germline): Conflicting classifications of pathogenicity. Review status: criteria provided, conflicting classifications (1 of 4 stars). 2 submissions from 2 submitters: Uncertain significance (1); Likely benign (1). Last evaluated 2026-08-25.

Conditions:
TUBB1-related disorder. Also called: TUBB1-related condition.

gnomAD v4.1: 49 of 1,613,248 alleles (0.003%); highest among the groups gnomAD compares: South Asian, 0.0099%; no homozygotes.

Submissions (2):

PreventionGenetics, part of Exact Sciences
Classification: Likely benign for TUBB1-related condition. Last evaluated: 2026-08-25. Review status: criteria provided, single submitter. Criteria: ACMG Guidelines, 2015. Collection method: clinical testing. Allele origin: germline.
Comment: This variant is classified as likely benign based on ACMG/AMP sequence variant interpretation guidelines (Richards et al. 2015 PMID: 25741868, with internal and published modifications).

Labcorp Genetics (formerly Invitae), Labcorp
Classification: Uncertain significance. Last evaluated: 2025-10-05. Review status: criteria provided, single submitter. Criteria: Invitae Variant Classification Sherloc (09022015). Collection method: clinical testing. Allele origin: germline.
Comment: This sequence change affects codon 55 of the TUBB1 mRNA. It is a 'silent' change, meaning that it does not change the encoded amino acid sequence of the TUBB1 protein. It affects a nucleotide within the consensus splice site. This variant is present in population databases (rs761692558, gnomAD 0.02%). This variant has not been reported in the literature in individuals affected with TUBB1-related conditions. ClinVar contains an entry for this variant (Variation ID: 2428260). Algorithms developed to predict the effect of sequence changes on RNA splicing suggest that this variant is not likely to affect RNA splicing. In summary, the available evidence is currently insufficient to determine the role of this variant in disease. Therefore, it has been classified as a Variant of Uncertain Significance.

NM_030773.4(TUBB1):c.165C>T (p.Tyr55=)

Gene: TUBB1 (tubulin beta 1 class VI; plus strand). Cytogenetic location: 20q13.32.
Variant type: single nucleotide variant.
Coding change: c.165C>T on transcript NM_030773.4 (MANE Select); coding-DNA position 165, C replaced by T.
Protein change: p.Tyr55=; no amino-acid change (tyrosine 55 retained).
Molecular consequence: synonymous variant.
Genome position (GRCh38, 1-based): chr20:59,022,952, C>T. VCF-style: chr20-59022952-C-T. GRCh37 (hg19) VCF-style: chr20-57598007-C-T.
Identifiers: ClinVar variation 2428260 (VCV002428260.8), dbSNP rs761692558, ClinGen allele CA9928383.